The following is an entry in ClinVar:

ClinVar aggregate classification (germline): Uncertain significance. Review status: criteria provided, multiple submitters, no conflicts (2 of 4 stars). 3 submissions from 3 submitters: Uncertain significance (3). Last evaluated 2024-11-24.

Conditions:
Inborn genetic diseases. Identifiers: MedGen C0950123, MeSH D030342.
Peroxisome biogenesis disorder 3A (Zellweger). Also called: PEROXISOMAL BIOGENESIS DISORDER 3A (ZELLWEGER); Peroxisome biogenesis disorder 3A. Identifiers: Orphanet 912, MedGen C3553929, MONDO:0013927, OMIM 614859.

Allele frequency attached by ClinVar (database versions not stated): gnomAD exomes 0.00001; gnomAD 0.00003 and 0.00005; TOPMed 0.00005.
gnomAD v4.1: 12 of 1,614,034 alleles (0.00074%); highest among the groups gnomAD compares: African/African-American, 0.012%; no homozygotes.

Submissions (3):

Ambry Genetics
Classification: Uncertain significance for Inborn genetic diseases. Last evaluated: 2024-11-24. Review status: criteria provided, single submitter. Criteria: Ambry Variant Classification Scheme 2023. Collection method: clinical testing. Allele origin: germline.

Blueprint Genetics
Classification: Uncertain significance. Last evaluated: 2022-10-24. Review status: criteria provided, single submitter. Criteria: ACMG Guidelines, 2015. Collection method: clinical testing. Allele origin: germline.

Labcorp Genetics (formerly Invitae), Labcorp
Classification: Uncertain significance for Peroxisome biogenesis disorder 3A (Zellweger). Last evaluated: 2021-09-17. Review status: criteria provided, single submitter. Criteria: Invitae Variant Classification Sherloc (09022015). Collection method: clinical testing. Allele origin: germline.
Comment: This sequence change replaces aspartic acid with asparagine at codon 16 of the PEX12 protein (p.Asp16Asn). The aspartic acid residue is moderately conserved and there is a small physicochemical difference between aspartic acid and asparagine. This variant is not present in population databases (ExAC no frequency). This variant has not been reported in the literature in individuals with PEX12-related conditions. Algorithms developed to predict the effect of missense changes on protein structure and function are either unavailable or do not agree on the potential impact of this missense change (SIFT: "Tolerated"; PolyPhen-2: "Possibly Damaging"; Align-GVGD: "Class C0"). In summary, the available evidence is currently insufficient to determine the role of this variant in disease. Therefore, it has been classified as a Variant of Uncertain Significance.

NM_000286.3(PEX12):c.46G>A (p.Asp16Asn)

Gene: PEX12 (peroxisomal biogenesis factor 12; minus strand). Cytogenetic location: 17q12.
Variant type: single nucleotide variant.
Coding change: c.46G>A on transcript NM_000286.3 (MANE Select); coding-DNA position 46, G replaced by A.
Protein change: p.Asp16Asn; replaces aspartic acid 16 with asparagine.
Molecular consequence: missense variant.
Genome position (GRCh38, 1-based): chr17:35,577,976, C>T on the plus strand (G>A on the coding strand, the complement: PEX12 is on the minus strand). VCF-style: chr17-35577976-C-T. GRCh37 (hg19) VCF-style: chr17-33904995-C-T.
Other names: c.46G>A (NM_000286.2); short protein forms D16N.
Identifiers: ClinVar variation 1376900 (VCV001376900.7), dbSNP rs979319729, ClinGen allele CA290070310.